The following is an entry in ClinVar:

NM_032043.3(BRIP1):c.488C>A (p.Pro163His)

Gene: BRIP1 (BRCA1 interacting DNA helicase 1; minus strand). Cytogenetic location: 17q23.2.
Variant type: single nucleotide variant.
Coding change: c.488C>A on transcript NM_032043.3 (MANE Select); coding-DNA position 488, C replaced by A.
Protein change: p.Pro163His; replaces proline 163 with histidine.
Molecular consequence: missense variant.
Genome position (GRCh38, 1-based): chr17:61,849,148, G>T on the plus strand (C>A on the coding strand, the complement: BRIP1 is on the minus strand). VCF-style: chr17-61849148-G-T. GRCh37 (hg19) VCF-style: chr17-59926509-G-T.
Other names: short protein forms P163H.
Identifiers: ClinVar variation 1399785 (VCV001399785.9), dbSNP rs2145761987, ClinGen allele CA400484385.

ClinVar aggregate classification (germline): Uncertain significance. Review status: criteria provided, multiple submitters, no conflicts (2 of 4 stars). 2 submissions from 2 submitters: Uncertain significance (2). Last evaluated 2024-03-06.

Conditions:
Familial cancer of breast. Also called: Hereditary breast cancer; hereditary breast carcinoma; BREAST CANCER, FAMILIAL. Identifiers: Orphanet 227535, MedGen C0346153, MONDO:0016419, OMIM 114480. Disease mechanism: loss of function.
Fanconi anemia complementation group J. Also called: BRIP1-Related Fanconi Anemia. Identifiers: Orphanet 84, MedGen C1836860, MONDO:0012187, OMIM 609054.
Hereditary cancer-predisposing syndrome. Also called: Neoplastic Syndromes, Hereditary; Hereditary neoplastic syndrome; Hereditary Cancer Syndrome; Tumor predisposition. Identifiers: Orphanet 140162, MedGen C0027672, MeSH D009386, MONDO:0015356.

Submissions (2):

Color Diagnostics, LLC DBA Color Health
Classification: Uncertain significance for Hereditary cancer-predisposing syndrome. Last evaluated: 2024-03-06. Review status: criteria provided, single submitter. Criteria: ACMG Guidelines, 2015. Collection method: clinical testing. Allele origin: germline.
Comment: This missense variant replaces proline with histidine at codon 163 of the BRIP1 protein. Computational prediction suggests that this variant may not impact protein structure and function (internally defined REVEL score threshold <= 0.5, PMID: 27666373). To our knowledge, functional studies have not been reported for this variant. This variant has not been reported in individuals affected with hereditary cancer in the literature. This variant has not been identified in the general population by the Genome Aggregation Database (gnomAD). The available evidence is insufficient to determine the role of this variant in disease conclusively. Therefore, this variant is classified as a Variant of Uncertain Significance.

Labcorp Genetics (formerly Invitae), Labcorp
Classification: Uncertain significance for Familial cancer of breast; Fanconi anemia complementation group J. Last evaluated: 2023-07-08. Review status: criteria provided, single submitter. Criteria: Invitae Variant Classification Sherloc (09022015). Collection method: clinical testing. Allele origin: germline.
Comment: This variant is not present in population databases (gnomAD no frequency). Advanced modeling of protein sequence and biophysical properties (such as structural, functional, and spatial information, amino acid conservation, physicochemical variation, residue mobility, and thermodynamic stability) performed at Invitae indicates that this missense variant is not expected to disrupt BRIP1 protein function. ClinVar contains an entry for this variant (Variation ID: 1399785). This variant has not been reported in the literature in individuals affected with BRIP1-related conditions. This sequence change replaces proline, which is neutral and non-polar, with histidine, which is basic and polar, at codon 163 of the BRIP1 protein (p.Pro163His). In summary, the available evidence is currently insufficient to determine the role of this variant in disease. Therefore, it has been classified as a Variant of Uncertain Significance.